The following is an entry in ClinVar:

NM_001376.5(DYNC1H1):c.9019C>T (p.Arg3007Ter)

Genes: DYNC1H1 (dynein cytoplasmic 1 heavy chain 1; plus strand), LOC126862060 (BRD4-independent group 4 enhancer GRCh37_chr14:102493659-102494858; plus strand). Cytogenetic location: 14q32.31.
Variant type: single nucleotide variant.
Coding change: c.9019C>T on transcript NM_001376.5 (MANE Select); coding-DNA position 9019, C replaced by T.
Protein change: p.Arg3007Ter; replaces arginine 3007 with a stop codon.
Molecular consequence: nonsense.
Genome position (GRCh38, 1-based): chr14:102,027,515, C>T. VCF-style: chr14-102027515-C-T. GRCh37 (hg19) VCF-style: chr14-102493852-C-T.
Other names: short protein forms R3007*.
Identifiers: ClinVar variation 4851788 (VCV004851788.1).

ClinVar aggregate classification (germline): Likely pathogenic (1 of 4 stars; one submission).

gnomAD v4.1: 1 of 1,614,068 alleles (0.000062%); highest among the groups gnomAD compares: Non-Finnish European, 0.000085%; no homozygotes.

Submission:

Dasa
Classification: Likely pathogenic. Last evaluated: 2024-10-07. Review status: criteria provided, single submitter. Criteria: DASA Assertion Criteria. Collection method: clinical testing. Allele origin: germline.
Comment: NM_001376.5(DYNC1H1):c.9019C>T (p.Arg3007*) introduces a premature termination codon predicted to result in loss of normal protein function. Loss-of-function is an established mechanism of disease for this gene. The variant is present at low frequency in population datasets. Based on the available data, this variant is classified as likely pathogenic.